The following is an entry in ClinVar:

ClinVar aggregate classification (germline): Uncertain significance (1 of 4 stars; one submission).

Allele frequency attached by ClinVar (database versions not stated): gnomAD 0.00001.
gnomAD v4.1: 26 of 1,613,378 alleles (0.0016%); highest among the groups gnomAD compares: East Asian, 0.049%; no homozygotes.

Submission:

Labcorp Genetics (formerly Invitae), Labcorp
Classification: Uncertain significance. Last evaluated: 2022-08-16. Review status: criteria provided, single submitter. Criteria: Invitae Variant Classification Sherloc (09022015). Collection method: clinical testing. Allele origin: germline.
Comment: This sequence change falls in intron 62 of the DNAH9 gene. It does not directly change the encoded amino acid sequence of the DNAH9 protein. It affects a nucleotide within the consensus splice site. Variants that disrupt the consensus splice site are a relatively common cause of aberrant splicing (PMID: 17576681, 9536098). Algorithms developed to predict the effect of sequence changes on RNA splicing suggest that this variant is not likely to affect RNA splicing. In summary, the available evidence is currently insufficient to determine the role of this variant in disease. Therefore, it has been classified as a Variant of Uncertain Significance. This variant has not been reported in the literature in individuals affected with DNAH9-related conditions. This variant is present in population databases (rs758597127, gnomAD 0.006%).

Literature cited by the submitters: PubMed 17576681; PubMed 9536098.

NM_001372.4(DNAH9):c.11877+3A>G

Gene: DNAH9 (dynein axonemal heavy chain 9; plus strand). Cytogenetic location: 17p12.
Variant type: single nucleotide variant.
Coding change: c.11877+3A>G on transcript NM_001372.4 (MANE Select); 3 bases into the intron after coding-DNA position 11877, A replaced by G.
Molecular consequence: intron variant.
Genome position (GRCh38, 1-based): chr17:11,923,944, A>G. VCF-style: chr17-11923944-A-G. GRCh37 (hg19) VCF-style: chr17-11827261-A-G.
Other names: c.813+3A>G (NM_004662.2).
Identifiers: ClinVar variation 2064993 (VCV002064993.4), dbSNP rs758597127, ClinGen allele CA8397973.